The following is an entry in ClinVar:

ClinVar aggregate classification (germline): Likely benign (1 of 4 stars; one submission).

Allele frequency attached by ClinVar (database versions not stated): ExAC 0.00012.

Submission:

CeGaT Center for Human Genetics Tuebingen
Classification: Likely benign. Last evaluated: 2023-04-01. Review status: criteria provided, single submitter. Criteria: CeGaT Center For Human Genetics Tuebingen Variant Classification Criteria Version 2. Collection method: clinical testing. Allele origin: germline. Affected: yes. Observed: 1 variant allele.
Comment: RAPH1: BP4, BP7

NM_213589.3(RAPH1):c.1935T>C (p.Pro645=)

Gene: RAPH1 (Ras association (RalGDS/AF-6) and pleckstrin homology domains 1; minus strand). Cytogenetic location: 2q33.2.
Variant type: single nucleotide variant.
Coding change: c.1935T>C on transcript NM_213589.3 (MANE Select); coding-DNA position 1935, T replaced by C.
Protein change: p.Pro645=; no amino-acid change (proline 645 retained).
Molecular consequence: synonymous variant.
Genome position (GRCh38, 1-based): chr2:203,441,255, A>G on the plus strand (T>C on the coding strand, the complement: RAPH1 is on the minus strand). VCF-style: chr2-203441255-A-G. GRCh37 (hg19) VCF-style: chr2-204305978-A-G.
Identifiers: ClinVar variation 2651832 (VCV002651832.23), dbSNP rs753321714, ClinGen allele CA2066267.
Genomic context (GRCh38, chr2:203,441,255, plus strand): 5'-GACGAACATTGGGGCTGCTGAGCCTGCAGAAGGTGCAGACTGGCTGGGGAGTGGGGGAGG[A>G]GGGGGTGGTGGAGGGGGTGGTGGAGGAGGAGGTGGGGGTGGCGGAGGAGGTAGAGGTGGT-3'
Protein context (NP_998754.1, residues 635-655): PPPPPPPPPP[Pro645=]PPPLPSQSAP